The following is an entry in ClinVar:

ClinVar aggregate classification (germline): Uncertain significance (1 of 4 stars; one submission).

Conditions:
Rienhoff syndrome. Also called: LOEYS-DIETZ SYNDROME 5. Identifiers: MedGen C3810012, MONDO:0014262, OMIM 615582.

Submission:

Labcorp Genetics (formerly Invitae), Labcorp
Classification: Uncertain significance for Rienhoff syndrome. Last evaluated: 2022-03-18. Review status: criteria provided, single submitter. Criteria: Invitae Variant Classification Sherloc (09022015). Collection method: clinical testing. Allele origin: germline.
Comment: This sequence change replaces arginine, which is basic and polar, with leucine, which is neutral and non-polar, at codon 163 of the TGFB3 protein (p.Arg163Leu). This variant is not present in population databases (gnomAD no frequency). This variant has not been reported in the literature in individuals affected with TGFB3-related conditions. ClinVar contains an entry for this variant (Variation ID: 1035178). Algorithms developed to predict the effect of missense changes on protein structure and function are either unavailable or do not agree on the potential impact of this missense change (SIFT: "Deleterious"; PolyPhen-2: "Possibly Damaging"; Align-GVGD: "Class C0"). In summary, the available evidence is currently insufficient to determine the role of this variant in disease. Therefore, it has been classified as a Variant of Uncertain Significance.

NM_003239.5(TGFB3):c.488G>T (p.Arg163Leu)

Gene: TGFB3 (transforming growth factor beta 3; minus strand). Cytogenetic location: 14q24.3.
Variant type: single nucleotide variant.
Coding change: c.488G>T on transcript NM_003239.5 (MANE Select); coding-DNA position 488, G replaced by T.
Protein change: p.Arg163Leu; replaces arginine 163 with leucine.
Molecular consequence: missense variant.
Genome position (GRCh38, 1-based): chr14:75,971,583, C>A on the plus strand (G>T on the coding strand, the complement: TGFB3 is on the minus strand). VCF-style: chr14-75971583-C-A. GRCh37 (hg19) VCF-style: chr14-76437926-C-A.
Other names: c.488G>T, p.Arg163Leu (NM_001329938.2, NM_001329939.2); short protein forms R163L.
Identifiers: ClinVar variation 1035178 (VCV001035178.9), dbSNP rs920721092, ClinGen allele CA390469932.
Genomic context (GRCh38, chr14:75,971,583, plus strand): 5'-CGGTGTGGTTTCTGCTCTGAGAGAGGAGTTACCTGGAAGAGCTCGATCCTCTGCTCATTC[C>A]GCTTAGAGCTGGGGTTGGGCACCCGCAAGACCCGGAATTCTGCTCGGAATAGGTTGGTTC-3'
Protein context (NP_003230.1, residues 153-173): VLRVPNPSSK[Arg163Leu]NEQRIELFQI